The following is an entry in ClinVar:

NM_005670.4(EPM2A):c.235G>T (p.Gly79Cys)

Genes: EPM2A (EPM2A glucan phosphatase, laforin; minus strand), EPM2A-DT (EPM2A divergent transcript; plus strand), LOC129997381 (ATAC-STARR-seq lymphoblastoid silent region 17642; plus strand). Cytogenetic location: 6q24.3.
Variant type: single nucleotide variant.
Coding change: c.235G>T on transcript NM_005670.4 (MANE Select); coding-DNA position 235, G replaced by T.
Protein change: p.Gly79Cys; replaces glycine 79 with cysteine.
Molecular consequence: missense variant. On other transcripts: 5 prime UTR variant (3), intron variant (1).
Genome position (GRCh38, 1-based): chr6:145,735,264, C>A on the plus strand (G>T on the coding strand, the complement: EPM2A is on the minus strand). VCF-style: chr6-145735264-C-A. GRCh37 (hg19) VCF-style: chr6-146056400-C-A.
Other names: c.235G>T, p.Gly79Cys (NM_001018041.2, NM_001360057.2, NM_001368130.1); c.-435G>T (NM_001360071.2); c.-389G>T (NM_001368129.2); c.-133G>T (NM_001368131.1); c.-114+644G>T (NM_001360064.2); short protein forms G79C.
Identifiers: ClinVar variation 1034897 (VCV001034897.9), dbSNP rs374826256, ClinGen allele CA366187977.

ClinVar aggregate classification (germline): Uncertain significance (1 of 4 stars; one submission).

Conditions:
Progressive myoclonic epilepsy. Also called: Familial progressive myoclonic epilepsy; Myoclonic Epilepsies, Progressive; Progressive myoclonus epilepsy; Myoclonus epilepsy. Identifiers: Orphanet 308, Orphanet 98261, MedGen C0751778, MONDO:0020074.

Submission:

Labcorp Genetics (formerly Invitae), Labcorp
Classification: Uncertain significance for Progressive myoclonic epilepsy. Last evaluated: 2020-05-04. Review status: criteria provided, single submitter. Criteria: Invitae Variant Classification Sherloc (09022015). Collection method: clinical testing. Allele origin: germline.
Comment: In summary, the available evidence is currently insufficient to determine the role of this variant in disease. Therefore, it has been classified as a Variant of Uncertain Significance. Algorithms developed to predict the effect of missense changes on protein structure and function output the following: SIFT: "Tolerated"; PolyPhen-2: "Benign"; Align-GVGD: "Class C0". The cysteine amino acid residue is found in multiple mammalian species, suggesting that this missense change does not adversely affect protein function. These predictions have not been confirmed by published functional studies and their clinical significance is uncertain. This variant has not been reported in the literature in individuals with EPM2A-related conditions. The frequency data for this variant in the population databases is considered unreliable, as metrics indicate insufficient coverage at this position in the ExAC database. This sequence change replaces glycine with cysteine at codon 79 of the EPM2A protein (p.Gly79Cys). The glycine residue is weakly conserved and there is a large physicochemical difference between glycine and cysteine.